The following is an entry in ClinVar:

ClinVar aggregate classification (germline): Uncertain significance (1 of 4 stars; one submission).

Conditions:
Catecholaminergic polymorphic ventricular tachycardia 1. Also called: VENTRICULAR TACHYCARDIA, CATECHOLAMINERGIC POLYMORPHIC, 1, WITH OR WITHOUT ATRIAL DYSFUNCTION AND/OR DILATED CARDIOMYOPATHY; VENTRICULAR TACHYCARDIA, STRESS-INDUCED POLYMORPHIC 1; RYR2-Related Catecholaminergic Polymorphic Ventricular Tachycardia. Identifiers: Orphanet 3286, MedGen C1631597, MONDO:0011484, OMIM 604772.

Allele frequency attached by ClinVar (database versions not stated): gnomAD exomes below 0.00001.
gnomAD v4.1: 1 of 1,613,940 alleles (0.000062%); highest among the groups gnomAD compares: Non-Finnish European, 0.000085%; no homozygotes.

Submission:

Labcorp Genetics (formerly Invitae), Labcorp
Classification: Uncertain significance for Catecholaminergic polymorphic ventricular tachycardia 1. Last evaluated: 2022-10-13. Review status: criteria provided, single submitter. Criteria: Invitae Variant Classification Sherloc (09022015). Collection method: clinical testing. Allele origin: germline.
Comment: In summary, the available evidence is currently insufficient to determine the role of this variant in disease. Therefore, it has been classified as a Variant of Uncertain Significance. Advanced modeling of protein sequence and biophysical properties (such as structural, functional, and spatial information, amino acid conservation, physicochemical variation, residue mobility, and thermodynamic stability) performed at Invitae indicates that this missense variant is expected to disrupt RYR2 protein function. This variant has not been reported in the literature in individuals affected with RYR2-related conditions. This variant is not present in population databases (gnomAD no frequency). This sequence change replaces alanine, which is neutral and non-polar, with proline, which is neutral and non-polar, at codon 2536 of the RYR2 protein (p.Ala2536Pro).

NM_001035.3(RYR2):c.7606G>C (p.Ala2536Pro)

Gene: RYR2 (ryanodine receptor 2; plus strand). Cytogenetic location: 1q43.
Variant type: single nucleotide variant.
Coding change: c.7606G>C on transcript NM_001035.3 (MANE Select); coding-DNA position 7606, G replaced by C.
Protein change: p.Ala2536Pro; replaces alanine 2536 with proline.
Molecular consequence: missense variant.
Genome position (GRCh38, 1-based): chr1:237,649,970, G>C. VCF-style: chr1-237649970-G-C. GRCh37 (hg19) VCF-style: chr1-237813270-G-C.
Other names: short protein forms A2536P.
Identifiers: ClinVar variation 1959402 (VCV001959402.5), dbSNP rs2547036963, ClinGen allele CA345399174.